The following is an entry in ClinVar:

NM_001009944.3(PKD1):c.2102C>T (p.Thr701Ile)

Gene: PKD1 (polycystin 1, transient receptor potential channel interacting; minus strand). Cytogenetic location: 16p13.3.
Variant type: single nucleotide variant.
Coding change: c.2102C>T on transcript NM_001009944.3 (MANE Select); coding-DNA position 2102, C replaced by T.
Protein change: p.Thr701Ile; replaces threonine 701 with isoleucine.
Molecular consequence: missense variant.
Genome position (GRCh38, 1-based): chr16:2,114,921, G>A on the plus strand (C>T on the coding strand, the complement: PKD1 is on the minus strand). VCF-style: chr16-2114921-G-A. GRCh37 (hg19) VCF-style: chr16-2164922-G-A.
Other names: c.2102C>T, p.Thr701Ile (NM_000296.4); short protein forms T701I.
Identifiers: ClinVar variation 2646026 (VCV002646026.24), dbSNP rs1456789343, ClinGen allele CA394389393.

ClinVar aggregate classification (germline): Likely benign (1 of 4 stars; one submission).

Allele frequency attached by ClinVar (database versions not stated): gnomAD exomes 0.00001.
gnomAD v4.1: 14 of 1,499,824 alleles (0.00093%); highest among the groups gnomAD compares: East Asian, 0.0049%; no homozygotes.

Submission:

CeGaT Center for Human Genetics Tuebingen
Classification: Likely benign. Last evaluated: 2022-06-01. Review status: criteria provided, single submitter. Criteria: CeGaT Center For Human Genetics Tuebingen Variant Classification Criteria Version 2. Collection method: clinical testing. Allele origin: germline. Affected: yes. Observed: 1 variant allele.
Comment: PKD1: BP4